The following is an entry in ClinVar:

ClinVar aggregate classification (germline): Pathogenic/Likely pathogenic. Review status: criteria provided, multiple submitters, no conflicts (2 of 4 stars). 2 submissions from 2 submitters: Pathogenic (1); Likely pathogenic (1). Last evaluated 2022-10-27.

Conditions:
Primary ciliary dyskinesia. Also called: Ciliary dyskinesia. Identifiers: Orphanet 244, MedGen C0008780, MONDO:0016575, HP:0012265.
Primary ciliary dyskinesia 3. Identifiers: Orphanet 244, MedGen C1837618, MONDO:0012085, OMIM 608644.

Submissions (2):

Labcorp Genetics (formerly Invitae), Labcorp
Classification: Pathogenic for Primary ciliary dyskinesia. Last evaluated: 2022-10-27. Review status: criteria provided, single submitter. Criteria: Invitae Variant Classification Sherloc (09022015). Collection method: clinical testing. Allele origin: germline.
Comment: For these reasons, this variant has been classified as Pathogenic. This sequence change creates a premature translational stop signal (p.Gln3331Lysfs*7) in the DNAH5 gene. It is expected to result in an absent or disrupted protein product. Loss-of-function variants in DNAH5 are known to be pathogenic (PMID: 11788826, 16627867). This variant is not present in population databases (gnomAD no frequency). This variant has not been reported in the literature in individuals affected with DNAH5-related conditions. ClinVar contains an entry for this variant (Variation ID: 1453634).

Myriad Genetics, Inc.
Classification: Likely pathogenic for Primary ciliary dyskinesia 3. Last evaluated: 2021-11-23. Review status: criteria provided, single submitter. Criteria: Myriad Women's Health Autosomal Recessive and X-Linked Classification Criteria (2021). Collection method: clinical testing. Allele origin: unknown.
Comment: NM_001369.2(DNAH5):c.9990delT(Q3331Kfs*7) is expected to be pathogenic in the context of DNAH5-related primary ciliary dyskinesia. This variant is predicted to lead to an abnormal or absent protein product due to the creation of a premature termination codon in DNAH5, a gene where loss-of-function variants are known to be pathogenic. Please note: this variant was assessed in the context of healthy population screening.

Literature cited by the submitters: PubMed 11788826 (cited by Labcorp Genetics (formerly Invitae), Labcorp); PubMed 16627867 (cited by Labcorp Genetics (formerly Invitae), Labcorp).

NM_001369.3(DNAH5):c.9990del (p.Gln3331fs)

Gene: DNAH5 (dynein axonemal heavy chain 5; minus strand). Cytogenetic location: 5p15.2.
Variant type: Deletion.
Coding change: c.9990del on transcript NM_001369.3 (MANE Select); coding-DNA position 9990, one base deleted (T; older notation c.9990delT).
Protein change: p.Gln3331fs; shifts the reading frame from glutamine 3331.
Molecular consequence: frameshift variant.
Genome position (GRCh38, 1-based): chr5:13,766,087, A deleted on the plus strand (T on the coding strand, the reverse complement: DNAH5 is on the minus strand); the first of 3 consecutive A bases (chr5:13,766,087-13,766,089); deleting any one gives the same sequence. VCF-style (leftmost placement, unchanged base first): chr5-13766086-GA-G. GRCh37 (hg19) VCF-style: chr5-13766195-GA-G.
Other names: short protein forms Q3331fs.
Identifiers: ClinVar variation 1453634 (VCV001453634.8), dbSNP rs2126762332, ClinGen allele CA2573138445.
Genomic context (GRCh38, chr5:13,766,086, plus strand): 5'-GCCAGGAGGGCATGGTACAGCTTTTTTCCAGGTCAATTTTCACAGCACTGACTTTCCTTT[GA>G]AACAGCAGCAGTACGCAATCCATGATCCGCATGATGAGGTGAGGGGGGCGGCCCAACGTG-3'